The following is an entry in ClinVar:

NM_182931.3(KMT2E):c.3732GAA[1] (p.Lys1245del)

Gene: KMT2E (lysine methyltransferase 2E (inactive); plus strand). Cytogenetic location: 7q22.3.
Variant type: Microsatellite.
Coding change: c.3732GAA[1] on transcript NM_182931.3 (MANE Select); one copy of the 3-base unit GAA starting at c.3732; the reference has two copies in a row; one copy, 3 bases deleted; also written c.3735_3737del.
Protein change: p.Lys1245del; deletes lysine 1245.
Molecular consequence: inframe deletion.
Genome position (GRCh38, 1-based): chr7:105,109,208-105,109,210, GAA deleted; deleting any 3 consecutive bases within chr7:105,109,204-105,109,210 gives the same sequence; the position shown is the placement nearest the transcript's 3' end. VCF-style (leftmost placement, unchanged base first): chr7-105109203-GAGA-G. GRCh37 (hg19) VCF-style: chr7-104749650-GAGA-G.
Other names: c.3732GAA[1], p.Lys1245del (NM_001410908.1, NM_018682.4); c.3735_3737del (NM_182931.3); short protein forms K1245del.
Identifiers: ClinVar variation 4886313 (VCV004886313.2).

ClinVar aggregate classification (germline): Uncertain significance (1 of 4 stars; one submission).

Submission:

Dasa
Classification: Uncertain significance. Last evaluated: 2024-11-08. Review status: criteria provided, single submitter. Criteria: DASA Assertion Criteria. Collection method: clinical testing. Allele origin: germline.
Comment: NM_182931.3(KMT2E):c.3735_3737del (p.Lys1245del) is an in-frame deletion predicted to remove lysine at protein position 1245 without shifting the reading frame. This variant is absent from population databases. The currently available literature and clinical evidence are not sufficient to establish a definitive association between this variant and the reported condition. Therefore, this variant is classified as a variant of uncertain significance.